The following is an entry in ClinVar:

NM_052963.3(TOP1MT):c.718G>T (p.Val240Leu)

Gene: TOP1MT (DNA topoisomerase I mitochondrial; minus strand). Cytogenetic location: 8q24.3.
Variant type: single nucleotide variant.
Coding change: c.718G>T on transcript NM_052963.3 (MANE Select); coding-DNA position 718, G replaced by T.
Protein change: p.Val240Leu; replaces valine 240 with leucine.
Molecular consequence: missense variant.
Genome position (GRCh38, 1-based): chr8:143,324,583, C>A on the plus strand (G>T on the coding strand, the complement: TOP1MT is on the minus strand). VCF-style: chr8-143324583-C-A. GRCh37 (hg19) VCF-style: chr8-144406753-C-A.
Other names: c.424G>T, p.Val142Leu (NM_001258446.1, NM_001258447.1); short protein forms V142L, V240L.
Identifiers: ClinVar variation 2456616 (VCV002456616.4), dbSNP rs370724693, ClinGen allele CA4908698.
Genomic context (GRCh38, chr8:143,324,583, plus strand): 5'-TGGAGTTCTGAACGCTCTCGGTCCAAGCTGCCAGCCACGTGACGGTGTTATCGGAGCGCA[C>A]CTCCTTCCACTGGTGCCCCGCCGGCGGCTCGGGGATCTTCGAGTCCCTGCAGCAGAACAA-3'
Protein context (NP_443195.1, residues 230-250): EPPAGHQWKE[Val240Leu]RSDNTVTWLA

ClinVar aggregate classification (germline): Uncertain significance. Review status: criteria provided, multiple submitters, no conflicts (2 of 4 stars). 2 submissions from 2 submitters: Uncertain significance (2). Last evaluated 2024-05-28.

Allele frequency attached by ClinVar (database versions not stated): gnomAD 0.00005.
gnomAD v4.1: 146 of 1,613,522 alleles (0.009%); highest among the groups gnomAD compares: South Asian, 0.099%; 1 homozygote.

Submissions (2):

Labcorp Genetics (formerly Invitae), Labcorp
Classification: Uncertain significance. Last evaluated: 2024-05-28. Review status: criteria provided, single submitter. Criteria: Invitae Variant Classification Sherloc (09022015). Collection method: clinical testing. Allele origin: germline.
Comment: This sequence change replaces valine, which is neutral and non-polar, with leucine, which is neutral and non-polar, at codon 240 of the TOP1MT protein (p.Val240Leu). This variant is present in population databases (rs370724693, gnomAD 0.1%), and has an allele count higher than expected for a pathogenic variant. This variant has not been reported in the literature in individuals affected with TOP1MT-related conditions. ClinVar contains an entry for this variant (Variation ID: 2456616). Advanced modeling of protein sequence and biophysical properties (such as structural, functional, and spatial information, amino acid conservation, physicochemical variation, residue mobility, and thermodynamic stability) performed at Invitae indicates that this missense variant is not expected to disrupt TOP1MT protein function with a negative predictive value of 80%. In summary, the available evidence is currently insufficient to determine the role of this variant in disease. Therefore, it has been classified as a Variant of Uncertain Significance.

Ambry Genetics
Classification: Uncertain significance. Last evaluated: 2023-03-07. Review status: criteria provided, single submitter. Criteria: Ambry Variant Classification Scheme 2023. Collection method: clinical testing. Allele origin: germline.